The following is an entry in ClinVar:

ClinVar aggregate classification (germline): Uncertain significance (1 of 4 stars; one submission).

Submission:

Labcorp Genetics (formerly Invitae), Labcorp
Classification: Uncertain significance. Last evaluated: 2025-06-20. Review status: criteria provided, single submitter. Criteria: Invitae Variant Classification Sherloc (09022015). Collection method: clinical testing. Allele origin: germline.
Comment: This variant, c.384_389del, results in the deletion of 2 amino acid(s) of the MBTPS2 protein (p.Ser135_Ser136del), but otherwise preserves the integrity of the reading frame. The frequency data for this variant in the population databases is considered unreliable, as metrics indicate poor data quality at this position in the gnomAD database. This variant has not been reported in the literature in individuals affected with MBTPS2-related conditions. Experimental studies and prediction algorithms are not available or were not evaluated, and the functional significance of this variant is currently unknown. In summary, the available evidence is currently insufficient to determine the role of this variant in disease. Therefore, it has been classified as a Variant of Uncertain Significance.

NM_015884.4(MBTPS2):c.384_389del (p.Ser135_Ser136del)

Gene: MBTPS2 (membrane bound transcription factor peptidase, site 2; plus strand). Cytogenetic location: Xp22.12.
Variant type: Deletion.
Coding change: c.384_389del on transcript NM_015884.4 (MANE Select); coding-DNA positions 384 to 389, 6 bases deleted (TTCTTC; older notation c.384_389delTTCTTC).
Protein change: p.Ser135_Ser136del.
Molecular consequence: inframe deletion.
Genome position (GRCh38, 1-based): chrX:21,845,330-21,845,335, TTCTTC deleted; deleting any 6 consecutive bases within chrX:21,845,328-21,845,335 gives the same sequence; the c. name uses the placement nearest the transcript's 3' end. VCF-style (leftmost placement, unchanged base first): chrX-21845327-CTCTTCT-C. GRCh37 (hg19) VCF-style: chrX-21863445-CTCTTCT-C.
Identifiers: ClinVar variation 4697767 (VCV004697767.1).